The following is an entry in ClinVar:

NM_000321.3(RB1):c.812C>A (p.Thr271Lys)

Gene: RB1 (RB transcriptional corepressor 1; plus strand). Cytogenetic location: 13q14.2.
Variant type: single nucleotide variant.
Coding change: c.812C>A on transcript NM_000321.3 (MANE Select); coding-DNA position 812, C replaced by A.
Protein change: p.Thr271Lys; replaces threonine 271 with lysine.
Molecular consequence: missense variant.
Genome position (GRCh38, 1-based): chr13:48,362,908, C>A. VCF-style: chr13-48362908-C-A. GRCh37 (hg19) VCF-style: chr13-48937044-C-A.
Other names: c.812C>A, p.Thr271Lys (NM_001407165.1, NM_001407166.1); short protein forms T271K.
Identifiers: ClinVar variation 3387561 (VCV003387561.2).

ClinVar aggregate classification (germline): Uncertain significance. Review status: criteria provided, multiple submitters, no conflicts (2 of 4 stars). 2 submissions from 2 submitters: Uncertain significance (2). Last evaluated 2025-01-30.

Conditions:
Retinoblastoma (RB1). Also called: RETINOBLASTOMA, SOMATIC. Identifiers: Orphanet 790, MedGen C0035335, MeSH D012175, MONDO:0008380, OMIM 180200, HP:0009919. Disease mechanism: loss of function. Inheritance: Both sporadic and heritable forms are tested..
Hereditary cancer-predisposing syndrome. Also called: Neoplastic Syndromes, Hereditary; Hereditary Cancer Syndrome; Tumor predisposition; Hereditary neoplastic syndrome. Identifiers: Orphanet 140162, MedGen C0027672, MeSH D009386, MONDO:0015356.

gnomAD v4.1: 1 of 1,613,776 alleles (0.000062%); highest among the groups gnomAD compares: Non-Finnish European, 0.000085%; no homozygotes.

Submissions (2):

Ambry Genetics
Classification: Uncertain significance for Hereditary cancer-predisposing syndrome. Last evaluated: 2025-01-30. Review status: criteria provided, single submitter. Criteria: Ambry Variant Classification Scheme 2023. Collection method: clinical testing. Allele origin: germline.
Comment: The p.T271K variant (also known as c.812C>A), located in coding exon 8 of the RB1 gene, results from a C to A substitution at nucleotide position 812. The threonine at codon 271 is replaced by lysine, an amino acid with similar properties. This amino acid position is conserved. In addition, the in silico prediction for this alteration is inconclusive. Based on the available evidence, the clinical significance of this variant remains unclear.

All of Us Research Program, National Institutes of Health
Classification: Uncertain significance for Retinoblastoma. Last evaluated: 2024-03-24. Review status: criteria provided, single submitter. Criteria: ACMG Guidelines, 2015. Collection method: clinical testing. Allele origin: germline. Inheritance: Autosomal dominant inheritance. Observed: 1 variant allele, 1 heterozygote.
Comment: This missense variant replaces threonine with lysine at codon 271 of the RB1 protein. Computational prediction suggests that this variant may not impact protein structure and function (internally defined REVEL score threshold <= 0.5, PMID: 27666373). To our knowledge, functional studies have not been reported for this variant. This variant has not been reported in individuals affected with hereditary cancer in the literature. This variant has not been identified in the general population by the Genome Aggregation Database (gnomAD). The available evidence is insufficient to determine the role of this variant in disease conclusively. Therefore, this variant is classified as a Variant of Uncertain Significance.

This study involves interpretation of variants in research participants for the purpose of population health screening. Participant phenotype was not available at the time of variant classification. Additional details can be found in publication PMID: 35346344, PMCID: PMC8962531